The following is an entry in ClinVar:

NM_001854.4(COL11A1):c.2142+2T>C

Gene: COL11A1 (collagen type XI alpha 1 chain; minus strand). Cytogenetic location: 1p21.1.
Variant type: single nucleotide variant.
Coding change: c.2142+2T>C on transcript NM_001854.4 (MANE Select); the canonical splice donor site of the intron after coding-DNA position 2142, T replaced by C.
Molecular consequence: splice donor variant.
Genome position (GRCh38, 1-based): chr1:103,001,923, A>G on the plus strand (T>C on the coding strand, the complement: COL11A1 is on the minus strand). VCF-style: chr1-103001923-A-G. GRCh37 (hg19) VCF-style: chr1-103467479-A-G.
Other names: c.2025+2T>C (NM_001190709.2); c.2178+2T>C (NM_080629.3); c.1794+2T>C (NM_080630.4).
Identifiers: ClinVar variation 2773017 (VCV002773017.3), dbSNP rs2525350703, ClinGen allele CA341170399.

ClinVar aggregate classification (germline): Likely pathogenic (1 of 4 stars; one submission).

Submission:

Labcorp Genetics (formerly Invitae), Labcorp
Classification: Likely pathogenic. Last evaluated: 2023-12-13. Review status: criteria provided, single submitter. Criteria: Invitae Variant Classification Sherloc (09022015). Collection method: clinical testing. Allele origin: germline.
Comment: This sequence change affects a donor splice site in intron 24 of the COL11A1 gene. It is expected to disrupt RNA splicing. Variants that disrupt the donor or acceptor splice site typically lead to a loss of protein function (PMID: 16199547), and loss-of-function variants in COL11A1 are known to be pathogenic (PMID: 20513134, 21035103, 23922384, 25240749, 32427345, 32756486). This variant is not present in population databases (gnomAD no frequency). This variant has not been reported in the literature in individuals affected with COL11A1-related conditions. Algorithms developed to predict the effect of sequence changes on RNA splicing suggest that this variant may disrupt the consensus splice site. In summary, the currently available evidence indicates that the variant is pathogenic, but additional data are needed to prove that conclusively. Therefore, this variant has been classified as Likely Pathogenic.

Literature cited by the submitters: PubMed 16199547; PubMed 20513134; PubMed 21035103; PubMed 23922384; PubMed 25240749; PubMed 32427345; PubMed 32756486.